The following is an entry in ClinVar:

NM_001114753.3(ENG):c.1078C>T (p.Gln360Ter)

Gene: ENG (endoglin; minus strand). Cytogenetic location: 9q34.11.
Variant type: single nucleotide variant.
Coding change: c.1078C>T on transcript NM_001114753.3 (MANE Select); coding-DNA position 1078, C replaced by T.
Protein change: p.Gln360Ter; replaces glutamine 360 with a stop codon.
Molecular consequence: nonsense.
Genome position (GRCh38, 1-based): chr9:127,824,360, G>A on the plus strand (C>T on the coding strand, the complement: ENG is on the minus strand). VCF-style: chr9-127824360-G-A. GRCh37 (hg19) VCF-style: chr9-130586639-G-A.
Other names: p.Gln360*; c.1078C>T, p.Gln360Ter (NM_000118.4, NM_001406715.1); c.532C>T, p.Gln178Ter (NM_001278138.2); short protein forms Q178*, Q360*.
Identifiers: ClinVar variation 2683657 (VCV002683657.1), dbSNP rs2539070987, ClinGen allele CA374980768.

ClinVar aggregate classification (germline): Pathogenic (1 of 4 stars; one submission).

Submission:

Mayo Clinic Laboratories, Mayo Clinic
Classification: Pathogenic. Last evaluated: 2022-12-07. Review status: criteria provided, single submitter. Criteria: ACMG Guidelines, 2015. Collection method: clinical testing. Allele origin: germline. Observed: 1 variant allele.
Comment: PM2_supporting, PS4_supporting, PVS1

Literature cited by the submitters: PubMed 15517393.